The following is an entry in ClinVar:

NM_000089.4(COL1A2):c.2296-2A>G

Gene: COL1A2 (collagen type I alpha 2 chain; plus strand). Cytogenetic location: 7q21.3.
Variant type: single nucleotide variant.
Coding change: c.2296-2A>G on transcript NM_000089.4 (MANE Select); the canonical splice acceptor site of the intron before coding-DNA position 2296, A replaced by G.
Molecular consequence: splice acceptor variant.
Genome position (GRCh38, 1-based): chr7:94,421,007, A>G. VCF-style: chr7-94421007-A-G. GRCh37 (hg19) VCF-style: chr7-94050319-A-G.
Identifiers: ClinVar variation 1322124 (VCV001322124.5), dbSNP rs72658181, ClinGen allele CA162936463.

ClinVar aggregate classification (germline): Pathogenic. Review status: criteria provided, multiple submitters, no conflicts (2 of 4 stars). 2 submissions from 2 submitters: Pathogenic (2). Last evaluated 2024-04-22.

Allele frequency attached by ClinVar (database versions not stated): gnomAD exomes below 0.00001.
gnomAD v4.1: 1 of 1,614,096 alleles (0.000062%); highest among the groups gnomAD compares: Non-Finnish European, 0.000085%; no homozygotes.

Submissions (2):

GeneDx
Classification: Pathogenic. Last evaluated: 2024-04-22. Review status: criteria provided, single submitter. Criteria: GeneDx Variant Classification Process June 2021. Collection method: clinical testing. Allele origin: germline. Affected: yes.
Comment: Canonical splice site variant predicted to result in a null allele in a gene for which loss of function is a known mechanism of disease; Not observed at significant frequency in large population cohorts (gnomAD); This variant is associated with the following publications: (PMID: 25525159, 17078022)

Revvity Omics, Revvity
Classification: Pathogenic. Last evaluated: 2020-12-08. Review status: criteria provided, single submitter. Criteria: ACMG Guidelines, 2015. Collection method: clinical testing. Allele origin: germline.